The following is an entry in ClinVar:

NM_006662.3(SRCAP):c.9390A>G (p.Pro3130=)

Gene: SRCAP (Snf2 related CREBBP activator protein; plus strand). Cytogenetic location: 16p11.2.
Variant type: single nucleotide variant.
Coding change: c.9390A>G on transcript NM_006662.3 (MANE Select); coding-DNA position 9390, A replaced by G.
Protein change: p.Pro3130=; no amino-acid change (proline 3130 retained).
Molecular consequence: synonymous variant.
Genome position (GRCh38, 1-based): chr16:30,739,430, A>G. VCF-style: chr16-30739430-A-G. GRCh37 (hg19) VCF-style: chr16-30750751-A-G.
Identifiers: ClinVar variation 2646413 (VCV002646413.26), dbSNP rs747620647, ClinGen allele CA8012907.
Genomic context (GRCh38, chr16:30,739,430, plus strand): 5'-GGTCTCACTAACCCCAAAACTGCGCTCGACCCGGCTGCGTCCAGGGTCTCTAGTCCCCCC[A>G]CTAGAGACTGAGAAGTTGCCTCGCAAACGAGCAGGGGCCCCAGTTGGTGGGAGTCCTGGG-3'
Protein context (NP_006653.2, residues 3120-3140): TRLRPGSLVP[Pro3130=]LETEKLPRKR

ClinVar aggregate classification (germline): Likely benign. Review status: criteria provided, multiple submitters, no conflicts (2 of 4 stars). 2 submissions from 2 submitters: Likely benign (2). Last evaluated 2024-12-18.

Allele frequency attached by ClinVar (database versions not stated): ExAC 0.00002; gnomAD 0.00003; TOPMed 0.00004; gnomAD exomes 0.00006.
gnomAD v4.1: 90 of 1,614,000 alleles (0.0056%); highest among the groups gnomAD compares: Non-Finnish European, 0.0065%; no homozygotes.

Submissions (2):

Labcorp Genetics (formerly Invitae), Labcorp
Classification: Likely benign. Last evaluated: 2024-12-18. Review status: criteria provided, single submitter. Criteria: Invitae Variant Classification Sherloc (09022015). Collection method: clinical testing. Allele origin: germline.

CeGaT Center for Human Genetics Tuebingen
Classification: Likely benign. Last evaluated: 2023-08-01. Review status: criteria provided, single submitter. Criteria: CeGaT Center For Human Genetics Tuebingen Variant Classification Criteria Version 2. Collection method: clinical testing. Allele origin: germline. Affected: yes. Observed: 1 variant allele.
Comment: SRCAP: BP4, BP7